The following is an entry in ClinVar:

NM_005612.5(REST):c.1705A>G (p.Lys569Glu)

Gene: REST (RE1 silencing transcription factor; plus strand). Cytogenetic location: 4q12.
Variant type: single nucleotide variant.
Coding change: c.1705A>G on transcript NM_005612.5 (MANE Select); coding-DNA position 1705, A replaced by G.
Protein change: p.Lys569Glu; replaces lysine 569 with glutamic acid.
Molecular consequence: missense variant.
Genome position (GRCh38, 1-based): chr4:56,930,563, A>G. VCF-style: chr4-56930563-A-G. GRCh37 (hg19) VCF-style: chr4-57796729-A-G.
Other names: c.1705A>G, p.Lys569Glu (NM_001193508.2, NM_001363453.3); short protein forms K569E.
Identifiers: ClinVar variation 2182584 (VCV002182584.4), dbSNP rs2475850232, ClinGen allele CA357007229.

ClinVar aggregate classification (germline): Uncertain significance (1 of 4 stars; one submission).

Allele frequency attached by ClinVar (database versions not stated): gnomAD exomes below 0.00001.
gnomAD v4.1: 1 of 1,612,046 alleles (0.000062%); highest among the groups gnomAD compares: Non-Finnish European, 0.000085%; no homozygotes.

Submission:

Labcorp Genetics (formerly Invitae), Labcorp
Classification: Uncertain significance. Last evaluated: 2024-12-17. Review status: criteria provided, single submitter. Criteria: Invitae Variant Classification Sherloc (09022015). Collection method: clinical testing. Allele origin: germline.
Comment: This sequence change replaces lysine, which is basic and polar, with glutamic acid, which is acidic and polar, at codon 569 of the REST protein (p.Lys569Glu). This variant is not present in population databases (gnomAD no frequency). This variant has not been reported in the literature in individuals affected with REST-related conditions. ClinVar contains an entry for this variant (Variation ID: 2182584). An algorithm developed to predict the effect of missense changes on protein structure and function (PolyPhen-2) suggests that this variant is likely to be disruptive. In summary, the available evidence is currently insufficient to determine the role of this variant in disease. Therefore, it has been classified as a Variant of Uncertain Significance.